The following is an entry in ClinVar:

NM_003737.4(DCHS1):c.3587C>T (p.Thr1196Ile)

Gene: DCHS1 (dachsous cadherin-related 1; minus strand). Cytogenetic location: 11p15.4.
Variant type: single nucleotide variant.
Coding change: c.3587C>T on transcript NM_003737.4 (MANE Select); coding-DNA position 3587, C replaced by T.
Protein change: p.Thr1196Ile; replaces threonine 1196 with isoleucine.
Molecular consequence: missense variant.
Genome position (GRCh38, 1-based): chr11:6,631,704, G>A on the plus strand (C>T on the coding strand, the complement: DCHS1 is on the minus strand). VCF-style: chr11-6631704-G-A. GRCh37 (hg19) VCF-style: chr11-6652935-G-A.
Other names: short protein forms T1196I.
Identifiers: ClinVar variation 4238012 (VCV004238012.2).

ClinVar aggregate classification (germline): Uncertain significance. Review status: criteria provided, multiple submitters, no conflicts (2 of 4 stars). 2 submissions from 2 submitters: Uncertain significance (2). Last evaluated 2025-12-22.

Conditions:
Inborn genetic diseases. Identifiers: MedGen C0950123, MeSH D030342.

Submissions (2):

Labcorp Genetics (formerly Invitae), Labcorp
Classification: Uncertain significance. Last evaluated: 2025-12-22. Review status: criteria provided, single submitter. Criteria: Invitae Variant Classification Sherloc (09022015). Collection method: clinical testing. Allele origin: germline.
Comment: This sequence change replaces threonine, which is neutral and polar, with isoleucine, which is neutral and non-polar, at codon 1196 of the DCHS1 protein (p.Thr1196Ile). This variant is not present in population databases (gnomAD no frequency). This variant has not been reported in the literature in individuals affected with DCHS1-related conditions. ClinVar contains an entry for this variant (Variation ID: 4238012). Invitae Evidence Modeling of protein sequence and biophysical properties (such as structural, functional, and spatial information, amino acid conservation, physicochemical variation, residue mobility, and thermodynamic stability) indicates that this missense variant is not expected to disrupt DCHS1 protein function with a negative predictive value of 80%. In summary, the available evidence is currently insufficient to determine the role of this variant in disease. Therefore, it has been classified as a Variant of Uncertain Significance.

Ambry Genetics
Classification: Uncertain significance for Inborn genetic diseases. Last evaluated: 2025-08-20. Review status: criteria provided, single submitter. Criteria: Ambry Variant Classification Scheme 2023. Collection method: clinical testing. Allele origin: germline.